The following is an entry in ClinVar:

ClinVar aggregate classification (germline): Uncertain significance. Review status: criteria provided, multiple submitters, no conflicts (2 of 4 stars). 2 submissions from 2 submitters: Uncertain significance (2). Last evaluated 2023-02-08.

Conditions:
Inborn genetic diseases. Identifiers: MedGen C0950123, MeSH D030342.
Autosomal recessive polycystic kidney disease (ARPKD). Also called: AR polycystic kidney disease. Identifiers: Orphanet 731, Orphanet 8378, MedGen C0085548, MeSH D017044, MONDO:0009889.

Allele frequency attached by ClinVar (database versions not stated): TOPMed below 0.00001; gnomAD exomes 0.00001.
gnomAD v4.1: 10 of 1,595,064 alleles (0.00063%); highest among the groups gnomAD compares: Non-Finnish European, 0.00077%; no homozygotes.

Submissions (2):

Ambry Genetics
Classification: Uncertain significance for Inborn genetic diseases. Last evaluated: 2023-02-08. Review status: criteria provided, single submitter. Criteria: Ambry Variant Classification Scheme 2023. Collection method: clinical testing. Allele origin: germline.

Labcorp Genetics (formerly Invitae), Labcorp
Classification: Uncertain significance for Autosomal recessive polycystic kidney disease. Last evaluated: 2022-03-27. Review status: criteria provided, single submitter. Criteria: Invitae Variant Classification Sherloc (09022015). Collection method: clinical testing. Allele origin: germline.
Comment: This sequence change replaces aspartic acid, which is acidic and polar, with asparagine, which is neutral and polar, at codon 3795 of the PKHD1 protein (p.Asp3795Asn). This variant is not present in population databases (gnomAD no frequency). This variant has not been reported in the literature in individuals affected with PKHD1-related conditions. Advanced modeling of protein sequence and biophysical properties (such as structural, functional, and spatial information, amino acid conservation, physicochemical variation, residue mobility, and thermodynamic stability) performed at Invitae indicates that this missense variant is not expected to disrupt PKHD1 protein function. In summary, the available evidence is currently insufficient to determine the role of this variant in disease. Therefore, it has been classified as a Variant of Uncertain Significance.

NM_138694.4(PKHD1):c.11383G>A (p.Asp3795Asn)

Gene: PKHD1 (PKHD1 ciliary IPT domain containing fibrocystin/polyductin; minus strand). Cytogenetic location: 6p12.3.
Variant type: single nucleotide variant.
Coding change: c.11383G>A on transcript NM_138694.4 (MANE Select); coding-DNA position 11383, G replaced by A.
Protein change: p.Asp3795Asn; replaces aspartic acid 3795 with asparagine.
Molecular consequence: missense variant.
Genome position (GRCh38, 1-based): chr6:51,648,046, C>T on the plus strand (G>A on the coding strand, the complement: PKHD1 is on the minus strand). VCF-style: chr6-51648046-C-T. GRCh37 (hg19) VCF-style: chr6-51512844-C-T.
Other names: c.11383G>A (NM_138694.3); short protein forms D3795N.
Identifiers: ClinVar variation 2162390 (VCV002162390.3), dbSNP rs945948498, ClinGen allele CA138891653.